The following is an entry in ClinVar:

NM_004393.6(DAG1):c.1306A>G (p.Thr436Ala)

Gene: DAG1 (dystroglycan 1; plus strand). Cytogenetic location: 3p21.31.
Variant type: single nucleotide variant.
Coding change: c.1306A>G on transcript NM_004393.6 (MANE Select); coding-DNA position 1306, A replaced by G.
Protein change: p.Thr436Ala; replaces threonine 436 with alanine.
Molecular consequence: missense variant.
Genome position (GRCh38, 1-based): chr3:49,531,817, A>G. VCF-style: chr3-49531817-A-G. GRCh37 (hg19) VCF-style: chr3-49569250-A-G.
Other names: p.Thr436Ala; c.1306A>G (NM_004393.4); c.1306A>G, p.Thr436Ala (NM_001165928.4, NM_001177634.3, NM_001177635.3 and 9 more transcripts); short protein forms T436A.
Identifiers: ClinVar variation 284765 (VCV000284765.16), dbSNP rs149838438, ClinGen allele CA2399050.

ClinVar aggregate classification (germline): Uncertain significance. Review status: criteria provided, multiple submitters, no conflicts (2 of 4 stars). 6 submissions from 6 submitters: Uncertain significance (6). Last evaluated 2026-01-07.

Conditions:
Autosomal recessive limb-girdle muscular dystrophy type 2P. Also called: MUSCULAR DYSTROPHY-DYSTROGLYCANOPATHY, LIMB-GIRDLE, DAG1-RELATED; Limb-Girdle Muscular Dystrophy Type 9C; MUSCULAR DYSTROPHY, LIMB-GIRDLE, TYPE 2P. Identifiers: Orphanet 280333, MedGen C4511963, MONDO:0013440, OMIM 613818.
Muscular dystrophy-dystroglycanopathy (congenital with brain and eye anomalies), type A9. Also called: Muscular dystrophy-dystroglycanopathy (congenital with brain and eye anomalies), type a, 9; WALKER-WARBURG SYNDROME OR MUSCLE-EYE BRAIN DISEASE, DAG1-RELATED. Identifiers: Orphanet 370997, Orphanet 899, MedGen C4225291, MONDO:0014683, OMIM 616538.
Inborn genetic diseases. Identifiers: MedGen C0950123, MeSH D030342.

Allele frequency attached by ClinVar (database versions not stated): gnomAD 0.00009; 1000 Genomes Project 30x 0.00016; 1000 Genomes Project 0.00020; gnomAD exomes 0.00012 and 0.00006; ExAC 0.00002; TOPMed 0.00006.
gnomAD v4.1: 213 of 1,613,522 alleles (0.013%); highest among the groups gnomAD compares: Non-Finnish European, 0.016%; no homozygotes.

Submissions (6):

GeneDx
Classification: Uncertain significance. Last evaluated: 2026-01-07. Review status: criteria provided, single submitter. Criteria: GeneDx Variant Classification Process June 2021. Collection method: clinical testing. Allele origin: germline. Affected: yes.
Comment: Not observed at significant frequency in large population cohorts (gnomAD); In silico analysis suggests that this missense variant does not alter protein structure/function; Has not been previously published as pathogenic or benign to our knowledge; This variant is associated with the following publications: (PMID: 21388311)

Ambry Genetics
Classification: Uncertain significance for Inborn genetic diseases. Last evaluated: 2025-05-04. Review status: criteria provided, single submitter. Criteria: Ambry Variant Classification Scheme 2023. Collection method: clinical testing. Allele origin: germline.

Mayo Clinic Laboratories, Mayo Clinic
Classification: Uncertain significance. Last evaluated: 2025-04-04. Review status: criteria provided, single submitter. Criteria: ACMG Guidelines, 2015. Collection method: clinical testing. Allele origin: germline. Observed: 1 variant allele.
Comment: BP4

Revvity Omics, Revvity
Classification: Uncertain significance. Last evaluated: 2025-01-28. Review status: criteria provided, single submitter. Criteria: ACMG Guidelines, 2015. Collection method: clinical testing. Allele origin: germline.

Labcorp Genetics (formerly Invitae), Labcorp
Classification: Uncertain significance for Autosomal recessive limb-girdle muscular dystrophy type 2P; Muscular dystrophy-dystroglycanopathy (congenital with brain and eye anomalies), type A9. Last evaluated: 2023-11-27. Review status: criteria provided, single submitter. Criteria: Invitae Variant Classification Sherloc (09022015). Collection method: clinical testing. Allele origin: germline.
Comment: This sequence change replaces threonine, which is neutral and polar, with alanine, which is neutral and non-polar, at codon 436 of the DAG1 protein (p.Thr436Ala). This variant is present in population databases (rs149838438, gnomAD 0.01%). This variant has not been reported in the literature in individuals affected with DAG1-related conditions. ClinVar contains an entry for this variant (Variation ID: 284765). An algorithm developed to predict the effect of missense changes on protein structure and function (PolyPhen-2) suggests that this variant¬†is likely to be tolerated. In summary, the available evidence is currently insufficient to determine the role of this variant in disease. Therefore, it has been classified as a Variant of Uncertain Significance.

Eurofins Ntd Llc (ga)
Classification: Uncertain significance. Last evaluated: 2018-08-31. Review status: criteria provided, single submitter. Criteria: EGL ClinVar v180209 classification definitions. Collection method: clinical testing. Allele origin: germline. Observed: 2 variant alleles, 2 heterozygotes.